The following is an entry in ClinVar:

NM_002435.3(MPI):c.631del (p.Glu211fs)

Gene: MPI (mannose phosphate isomerase; plus strand). Cytogenetic location: 15q24.1.
Variant type: Deletion.
Coding change: c.631del on transcript NM_002435.3 (MANE Select); coding-DNA position 631, one base deleted (G; older notation c.631delG).
Protein change: p.Glu211fs; shifts the reading frame from glutamic acid 211.
Molecular consequence: frameshift variant. On other transcripts: intron variant (1).
Genome position (GRCh38, 1-based): chr15:74,893,281, G deleted; the last of 2 consecutive G bases (chr15:74,893,280-74,893,281); deleting either gives the same sequence. VCF-style (leftmost placement, unchanged base first): chr15-74893279-TG-T. GRCh37 (hg19) VCF-style: chr15-75185620-TG-T.
Other names: c.631del, p.Glu211fs (NM_001289155.2); c.481del, p.Glu161fs (NM_001289156.2); c.571del, p.Glu191fs (NM_001330372.2); c.487+479del (NM_001289157.2); c.631delG (NM_002435.2); short protein forms E191fs, E161fs, E211fs.
Identifiers: ClinVar variation 843069 (VCV000843069.11), dbSNP rs1374119101, ClinGen allele CA715704554.

ClinVar aggregate classification (germline): Pathogenic/Likely pathogenic. Review status: criteria provided, multiple submitters, no conflicts (2 of 4 stars). 4 submissions from 4 submitters: Pathogenic (2); Likely pathogenic (2). Last evaluated 2024-10-21.

Conditions:
MPI-congenital disorder of glycosylation. Also called: MPI-CDG; MPI DEFICIENCY; PROTEIN-LOSING ENTEROPATHY-HEPATIC FIBROSIS SYNDROME; MANNOSEPHOSPHATE ISOMERASE DEFICIENCY; CONGENITAL DISORDER OF GLYCOSYLATION, TYPE Ib; CDG Ib. Identifiers: Orphanet 79319, MedGen C1865145, MONDO:0011257, OMIM 602579.

Submissions (4):

Natera, Inc.
Classification: Likely pathogenic for Congenital disorder of glycosylation type 1b. Last evaluated: 2024-10-21. Review status: criteria provided, single submitter. Criteria: Natera Variant Classification Schema (03/2026). Collection method: clinical testing. Allele origin: germline.
Comment: The c.631delG variant in MPI is a frameshift variant predicted to shift the reading frame beginning at codon 211 and leads to a stop codon 7 codons downstream. This variant is expected to result in nonsense mediated decay, truncation, or a dysfunctional protein product. This variant is rare in the general population with a frequency below the threshold expected for the associated phenotype(s). Given the available evidence, this variant is classified as Likely Pathogenic.

Fulgent Genetics
Classification: Likely pathogenic for MPI-congenital disorder of glycosylation. Last evaluated: 2024-03-20. Review status: criteria provided, single submitter. Criteria: ACMG Guidelines, 2015. Collection method: clinical testing. Allele origin: germline.

Baylor Genetics
Classification: Pathogenic for MPI-congenital disorder of glycosylation. Last evaluated: 2023-11-21. Review status: criteria provided, single submitter. Criteria: ACMG Guidelines, 2015. Collection method: clinical testing. Allele origin: unknown.

Labcorp Genetics (formerly Invitae), Labcorp
Classification: Pathogenic for MPI-congenital disorder of glycosylation. Last evaluated: 2023-06-17. Review status: criteria provided, single submitter. Criteria: Invitae Variant Classification Sherloc (09022015). Collection method: clinical testing. Allele origin: germline.
Comment: For these reasons, this variant has been classified as Pathogenic. ClinVar contains an entry for this variant (Variation ID: 843069). This variant has not been reported in the literature in individuals affected with MPI-related conditions. This variant is not present in population databases (gnomAD no frequency). This sequence change creates a premature translational stop signal (p.Glu211Asnfs*7) in the MPI gene. It is expected to result in an absent or disrupted protein product. Loss-of-function variants in MPI are known to be pathogenic (PMID: 19862844).

Literature cited by the submitters: PubMed 19862844 (cited by Labcorp Genetics (formerly Invitae), Labcorp).